The following is an entry in ClinVar:

NM_021072.4(HCN1):c.790A>T (p.Ser264Cys)

Gene: HCN1 (hyperpolarization activated cyclic nucleotide gated potassium channel 1; minus strand). Cytogenetic location: 5p12.
Variant type: single nucleotide variant.
Coding change: c.790A>T on transcript NM_021072.4 (MANE Select); coding-DNA position 790, A replaced by T.
Protein change: p.Ser264Cys; replaces serine 264 with cysteine.
Molecular consequence: missense variant.
Genome position (GRCh38, 1-based): chr5:45,645,244, T>A on the plus strand (A>T on the coding strand, the complement: HCN1 is on the minus strand). VCF-style: chr5-45645244-T-A. GRCh37 (hg19) VCF-style: chr5-45645346-T-A.
Other names: short protein forms S264C.
Identifiers: ClinVar variation 658809 (VCV000658809.9), dbSNP rs763339068, ClinGen allele CA359707106.

ClinVar aggregate classification (germline): Pathogenic (1 of 4 stars; one submission).

Conditions:
Early-infantile DEE. Also called: Early infantile epileptic encephalopathy; Ohtahara syndrome; Early infantile epileptic encephalopathy with suppression bursts. Identifiers: Orphanet 1934, MedGen C0393706, MONDO:0800491.

Submission:

Labcorp Genetics (formerly Invitae), Labcorp
Classification: Pathogenic for Early-infantile DEE. Last evaluated: 2024-04-25. Review status: criteria provided, single submitter. Criteria: Invitae Variant Classification Sherloc (09022015). Collection method: clinical testing. Allele origin: germline.
Comment: This sequence change replaces serine, which is neutral and polar, with cysteine, which is neutral and slightly polar, at codon 264 of the HCN1 protein (p.Ser264Cys). This variant is not present in population databases (gnomAD no frequency). This missense change has been observed in individual(s) with HCN1-related conditions (PMID: 30351409). In at least one individual the variant was observed to be de novo. ClinVar contains an entry for this variant (Variation ID: 658809). Advanced modeling of protein sequence and biophysical properties (such as structural, functional, and spatial information, amino acid conservation, physicochemical variation, residue mobility, and thermodynamic stability) performed at Invitae indicates that this missense variant is expected to disrupt HCN1 protein function with a positive predictive value of 80%. For these reasons, this variant has been classified as Pathogenic.

Literature cited by the submitters: PubMed 30351409.